The following is an entry in ClinVar:

NM_015386.3(COG4):c.2278T>C (p.Leu760=)

Gene: COG4 (component of oligomeric golgi complex 4; minus strand). Cytogenetic location: 16q22.1.
Variant type: single nucleotide variant.
Coding change: c.2278T>C on transcript NM_015386.3 (MANE Select); coding-DNA position 2278, T replaced by C.
Protein change: p.Leu760=; no amino-acid change (leucine 760 retained).
Molecular consequence: synonymous variant. On other transcripts: non-coding transcript variant (1).
Genome position (GRCh38, 1-based): chr16:70,481,102, A>G on the plus strand (T>C on the coding strand, the complement: COG4 is on the minus strand). VCF-style: chr16-70481102-A-G. GRCh37 (hg19) VCF-style: chr16-70515005-A-G.
Other names: c.2203T>C, p.Leu735= (NM_001195139.2); c.1852T>C, p.Leu618= (NM_001365426.1).
Identifiers: ClinVar variation 320362 (VCV000320362.8), dbSNP rs113010015, ClinGen allele CA8143975.

ClinVar aggregate classification (germline): Likely benign. Review status: criteria provided, multiple submitters, no conflicts (2 of 4 stars). 2 submissions from 2 submitters: Likely benign (2). Last evaluated 2025-12-01.

Conditions:
COG4-congenital disorder of glycosylation. Also called: CONGENITAL DISORDER OF GLYCOSYLATION, TYPE IIj; CDG IIj; COG4-CDG. Identifiers: Orphanet 263501, MedGen C4303552, MONDO:0013281, OMIM 613489.

Allele frequency attached by ClinVar (database versions not stated): gnomAD 0.00003; gnomAD exomes 0.00012 and 0.00031; TOPMed 0.00014; ESP Exome Variant Server 0.00023; ExAC 0.00030.
gnomAD v4.1: 217 of 1,613,390 alleles (0.013%); highest among the groups gnomAD compares: Admixed American, 0.037%; 1 homozygote.

Submissions (2):

Labcorp Genetics (formerly Invitae), Labcorp
Classification: Likely benign for COG4-congenital disorder of glycosylation. Last evaluated: 2025-12-01. Review status: criteria provided, single submitter. Criteria: Invitae Variant Classification Sherloc (09022015). Collection method: clinical testing. Allele origin: germline.

GeneDx
Classification: Likely benign. Last evaluated: 2017-02-13. Review status: criteria provided, single submitter. Criteria: GeneDx Variant Classification (06012015). Collection method: clinical testing. Allele origin: germline. Affected: yes.
Comment: This variant is considered likely benign or benign based on one or more of the following criteria: it is a conservative change, it occurs at a poorly conserved position in the protein, it is predicted to be benign by multiple in silico algorithms, and/or has population frequency not consistent with disease.